The following is an entry in ClinVar:

ClinVar aggregate classification (germline): Uncertain significance. Review status: criteria provided, multiple submitters, no conflicts (2 of 4 stars). 4 submissions from 4 submitters: Uncertain significance (3). 1 of the submissions does not count toward it. Last evaluated 2021-09-05.

Conditions:
Glycogen storage disease, type II (IOPD). Also called: CARDIOMEGALIA GLYCOGENICA DIFFUSA; GLYCOGENOSIS, GENERALIZED, CARDIAC FORM; GSD II; Glycogen storage disease type 2; Acid maltase deficiency disease; Aglucosidase alfa. Identifiers: Orphanet 365, MedGen C0017921, MONDO:0009290, OMIM 232300.

Allele frequency attached by ClinVar (database versions not stated): TOPMed below 0.00001; ExAC 0.00001; gnomAD 0.00001; gnomAD exomes 0.00001.
gnomAD v4.1: 23 of 1,613,946 alleles (0.0014%); highest among the groups gnomAD compares: Non-Finnish European, 0.0018%; no homozygotes.

Submissions (4):

Genome-Nilou Lab
Classification: Uncertain significance for Glycogen storage disease, type II. Last evaluated: 2021-09-05. Review status: criteria provided, single submitter. Criteria: ACMG Guidelines, 2015. Collection method: clinical testing. Allele origin: germline. Affected: no.

Labcorp Genetics (formerly Invitae), Labcorp
Classification: Uncertain significance for Glycogen storage disease, type II. Last evaluated: 2021-09-05. Review status: criteria provided, single submitter. Criteria: Invitae Variant Classification Sherloc (09022015). Collection method: clinical testing. Allele origin: germline.
Comment: This sequence change replaces leucine with phenylalanine at codon 948 of the GAA protein (p.Leu948Phe). The leucine residue is weakly conserved and there is a small physicochemical difference between leucine and phenylalanine. This variant is present in population databases (rs769312350, ExAC 0.002%). This variant has not been reported in the literature in individuals affected with GAA-related conditions. ClinVar contains an entry for this variant (Variation ID: 325798). Algorithms developed to predict the effect of missense changes on protein structure and function (SIFT, PolyPhen-2, Align-GVGD) all suggest that this variant is likely to be tolerated. In summary, the available evidence is currently insufficient to determine the role of this variant in disease. Therefore, it has been classified as a Variant of Uncertain Significance.

Illumina Laboratory Services, Illumina
Classification: Uncertain significance for Glycogen storage disease, type II. Last evaluated: 2018-01-13. Review status: criteria provided, single submitter. Criteria: ICSL Variant Classification Criteria 13 December 2019. Collection method: clinical testing. Allele origin: germline.

Natera, Inc.
Classification: Uncertain significance for Glycogen storage disease type II. Last evaluated: 2020-01-24. Review status: no assertion criteria provided. Collection method: clinical testing. Allele origin: germline. Not counted in ClinVar's aggregate classification.

NM_000152.5(GAA):c.2842C>T (p.Leu948Phe)

Gene: GAA (alpha glucosidase; plus strand). Cytogenetic location: 17q25.3.
Variant type: single nucleotide variant.
Coding change: c.2842C>T on transcript NM_000152.5 (MANE Select); coding-DNA position 2842, C replaced by T.
Protein change: p.Leu948Phe; replaces leucine 948 with phenylalanine.
Molecular consequence: missense variant.
Genome position (GRCh38, 1-based): chr17:80,119,314, C>T. VCF-style: chr17-80119314-C-T. GRCh37 (hg19) VCF-style: chr17-78093113-C-T.
Other names: c.2842C>T (LRG_673t1); c.2842C>T, p.Leu948Phe (NM_001079803.3, NM_001079804.3); short protein forms L948F.
Identifiers: ClinVar variation 325798 (VCV000325798.14), dbSNP rs769312350, ClinGen allele CA8815889.
Genomic context (GRCh38, chr17:80,119,314, plus strand): 5'-GTGCTCTCTCTTTTCCAGGTCCTGGACATCTGTGTCTCGCTGTTGATGGGAGAGCAGTTT[C>T]TCGTCAGCTGGTGTTAGCCGGGCGGAGTGTGTTAGTCTCTCCAGAGGGAGGCTGGTTCCC-3'
Protein context (NP_000143.2, residues 938-952): CVSLLMGEQF[Leu948Phe]VSWC